The following is an entry in ClinVar:

NM_000426.4(LAMA2):c.251G>C (p.Arg84Pro)

Gene: LAMA2 (laminin subunit alpha 2; plus strand). Cytogenetic location: 6q22.33.
Variant type: single nucleotide variant.
Coding change: c.251G>C on transcript NM_000426.4 (MANE Select); coding-DNA position 251, G replaced by C.
Protein change: p.Arg84Pro; replaces arginine 84 with proline.
Molecular consequence: missense variant.
Genome position (GRCh38, 1-based): chr6:129,050,056, G>C. VCF-style: chr6-129050056-G-C. GRCh37 (hg19) VCF-style: chr6-129371201-G-C.
Other names: c.251G>C, p.Arg84Pro (NM_001079823.2); short protein forms R84P.
Identifiers: ClinVar variation 543835 (VCV000543835.8), dbSNP rs148607737, ClinGen allele CA3992258.
Genomic context (GRCh38, chr6:129,050,056, plus strand): 5'-AAATGTACTGCAAATTGGTAGAACATGTCCCTGGGCAGCCTGTGAGGAACCCGCAGTGTC[G>C]AATCTGCAATCAAAACAGCAGCAATCCAAACCGTATGTATTTTAGTGTGTAGGTGTGTGG-3'
Protein context (NP_000417.3, residues 74-94): PGQPVRNPQC[Arg84Pro]ICNQNSSNPN

ClinVar aggregate classification (germline): Uncertain significance. Review status: criteria provided, multiple submitters, no conflicts (2 of 4 stars). 3 submissions from 3 submitters: Uncertain significance (3). Last evaluated 2025-12-08.

Conditions:
Inborn genetic diseases. Identifiers: MedGen C0950123, MeSH D030342.
LAMA2-related muscular dystrophy (LAMA2-RD). Also called: Laminin alpha 2-related dystrophy. Identifiers: MedGen C5679788, MONDO:0100228.

gnomAD v4.1: 18 of 1,614,038 alleles (0.0011%); highest among the groups gnomAD compares: Admixed American, 0.013%; no homozygotes.

Submissions (3):

Ambry Genetics
Classification: Uncertain significance for Inborn genetic diseases. Last evaluated: 2025-12-08. Review status: criteria provided, single submitter. Criteria: Ambry Variant Classification Scheme 2023. Collection method: clinical testing. Allele origin: germline.

Labcorp Genetics (formerly Invitae), Labcorp
Classification: Uncertain significance for LAMA2-related muscular dystrophy. Last evaluated: 2025-10-01. Review status: criteria provided, single submitter. Criteria: Invitae Variant Classification Sherloc (09022015). Collection method: clinical testing. Allele origin: germline.
Comment: This sequence change replaces arginine, which is basic and polar, with proline, which is neutral and non-polar, at codon 84 of the LAMA2 protein (p.Arg84Pro). This variant is present in population databases (rs148607737, gnomAD 0.006%). This variant has not been reported in the literature in individuals affected with LAMA2-related conditions. ClinVar contains an entry for this variant (Variation ID: 543835). Invitae Evidence Modeling of protein sequence and biophysical properties (such as structural, functional, and spatial information, amino acid conservation, physicochemical variation, residue mobility, and thermodynamic stability) indicates that this missense variant is not expected to disrupt LAMA2 protein function with a negative predictive value of 95%. In summary, the available evidence is currently insufficient to determine the role of this variant in disease. Therefore, it has been classified as a Variant of Uncertain Significance.

Revvity Omics, Revvity
Classification: Uncertain significance. Last evaluated: 2019-08-27. Review status: criteria provided, single submitter. Criteria: ACMG Guidelines, 2015. Collection method: clinical testing. Allele origin: germline.